The following is an entry in ClinVar:

NM_001378778.1(MPDZ):c.2684A>T (p.Asp895Val)

Gene: MPDZ (multiple PDZ domain crumbs cell polarity complex component; minus strand). Cytogenetic location: 9p23.
Variant type: single nucleotide variant.
Coding change: c.2684A>T on transcript NM_001378778.1 (MANE Select); coding-DNA position 2684, A replaced by T.
Protein change: p.Asp895Val; replaces aspartic acid 895 with valine.
Molecular consequence: missense variant.
Genome position (GRCh38, 1-based): chr9:13,176,383, T>A on the plus strand (A>T on the coding strand, the complement: MPDZ is on the minus strand). VCF-style: chr9-13176383-T-A. GRCh37 (hg19) VCF-style: chr9-13176382-T-A.
Other names: c.2684A>T, p.Asp895Val (NM_001261406.2, NM_001261407.2, NM_001330637.2 and 14 more transcripts); short protein forms D895V.
Identifiers: ClinVar variation 1462044 (VCV001462044.5), dbSNP rs1952493420, ClinGen allele CA372935459.

ClinVar aggregate classification (germline): Uncertain significance (1 of 4 stars; one submission).

Allele frequency attached by ClinVar (database versions not stated): TOPMed below 0.00001; gnomAD exomes 0.00002.
gnomAD v4.1: 27 of 1,599,556 alleles (0.0017%); highest among the groups gnomAD compares: Non-Finnish European, 0.0023%; no homozygotes.

Submission:

Labcorp Genetics (formerly Invitae), Labcorp
Classification: Uncertain significance. Last evaluated: 2022-03-10. Review status: criteria provided, single submitter. Criteria: Invitae Variant Classification Sherloc (09022015). Collection method: clinical testing. Allele origin: germline.
Comment: This sequence change replaces aspartic acid, which is acidic and polar, with valine, which is neutral and non-polar, at codon 895 of the MPDZ protein (p.Asp895Val). This variant is not present in population databases (gnomAD no frequency). This variant has not been reported in the literature in individuals affected with MPDZ-related conditions. Algorithms developed to predict the effect of missense changes on protein structure and function are either unavailable or do not agree on the potential impact of this missense change (SIFT: "Deleterious"; PolyPhen-2: "Benign"; Align-GVGD: "Class C15"). In summary, the available evidence is currently insufficient to determine the role of this variant in disease. Therefore, it has been classified as a Variant of Uncertain Significance.